The following is an entry in ClinVar:

NM_000784.4(CYP27A1):c.401A>C (p.Lys134Thr)

Gene: CYP27A1 (cytochrome P450 family 27 subfamily A member 1; plus strand). Cytogenetic location: 2q35.
Variant type: single nucleotide variant.
Coding change: c.401A>C on transcript NM_000784.4 (MANE Select); coding-DNA position 401, A replaced by C.
Protein change: p.Lys134Thr; replaces lysine 134 with threonine.
Molecular consequence: missense variant.
Genome position (GRCh38, 1-based): chr2:218,809,722, A>C. VCF-style: chr2-218809722-A-C. GRCh37 (hg19) VCF-style: chr2-219674445-A-C.
Other names: c.401A>C (NM_000784.3); short protein forms K134T.
Identifiers: ClinVar variation 3000129 (VCV003000129.4), dbSNP rs1465709333, ClinGen allele CA350583573.

ClinVar aggregate classification (germline): Uncertain significance. Review status: criteria provided, multiple submitters, no conflicts (2 of 4 stars). 2 submissions from 2 submitters: Uncertain significance (2). Last evaluated 2025-02-07.

Conditions:
Cholestanol storage disease (CTX). Also called: Cerebrotendinous Xanthomatosis; CTX: Cerebrotendinous xanthomatosis; CEREBRAL CHOLESTERINOSIS. Identifiers: Orphanet 909, MedGen C0238052, MONDO:0008948, OMIM 213700.
Cardiovascular phenotype. Identifiers: MedGen CN230736.

Allele frequency attached by ClinVar (database versions not stated): gnomAD 0.00001; TOPMed 0.00001; gnomAD exomes 0.00009.
gnomAD v4.1: 55 of 1,614,000 alleles (0.0034%); highest among the groups gnomAD compares: East Asian, 0.12%; no homozygotes.

Submissions (2):

Ambry Genetics
Classification: Uncertain significance for Cardiovascular phenotype. Last evaluated: 2025-02-07. Review status: criteria provided, single submitter. Criteria: Ambry Variant Classification Scheme 2023. Collection method: clinical testing. Allele origin: germline.
Comment: The p.K134T variant (also known as c.401A>C), located in coding exon 2 of the CYP27A1 gene, results from an A to C substitution at nucleotide position 401. The lysine at codon 134 is replaced by threonine, an amino acid with similar properties. This amino acid position is well conserved in available vertebrate species. In addition, this alteration is predicted to be tolerated by in silico analysis. Based on the available evidence, the clinical significance of this variant remains unclear.

Labcorp Genetics (formerly Invitae), Labcorp
Classification: Uncertain significance for Cholestanol storage disease. Last evaluated: 2023-10-17. Review status: criteria provided, single submitter. Criteria: Invitae Variant Classification Sherloc (09022015). Collection method: clinical testing. Allele origin: germline.
Comment: This sequence change replaces lysine, which is basic and polar, with threonine, which is neutral and polar, at codon 134 of the CYP27A1 protein (p.Lys134Thr). This variant is present in population databases (no rsID available, gnomAD 0.006%). This variant has not been reported in the literature in individuals affected with CYP27A1-related conditions. Advanced modeling of protein sequence and biophysical properties (such as structural, functional, and spatial information, amino acid conservation, physicochemical variation, residue mobility, and thermodynamic stability) has been performed at Invitae for this missense variant, however the output from this modeling did not meet the statistical confidence thresholds required to predict the impact of this variant on CYP27A1 protein function. In summary, the available evidence is currently insufficient to determine the role of this variant in disease. Therefore, it has been classified as a Variant of Uncertain Significance.